The following is an entry in ClinVar:

NM_001347721.2(DYRK1A):c.1566G>A (p.Pro522=)

Gene: DYRK1A (dual specificity tyrosine phosphorylation regulated kinase 1A; plus strand). Cytogenetic location: 21q22.13.
Variant type: single nucleotide variant.
Coding change: c.1566G>A on transcript NM_001347721.2 (MANE Select); coding-DNA position 1566, G replaced by A.
Protein change: p.Pro522=; no amino-acid change (proline 522 retained).
Molecular consequence: synonymous variant. On other transcripts: intron variant (1).
Genome position (GRCh38, 1-based): chr21:37,506,145, G>A. VCF-style: chr21-37506145-G-A. GRCh37 (hg19) VCF-style: chr21-38878448-G-A.
Other names: c.1566G>A, p.Pro522= (NM_001347722.2, NM_130436.2); c.1479G>A, p.Pro493= (NM_001347723.2); c.1593G>A, p.Pro531= (NM_001396.5, NM_101395.2); c.1546+556G>A (NM_130438.2); c.1593G>A (NM_001396.4).
Identifiers: ClinVar variation 1154457 (VCV001154457.10), dbSNP rs530846706, ClinGen allele CA10024012.
Genomic context (GRCh38, chr21:37,506,145, plus strand): 5'-TTGTGATATTTCAGGTGGCTCATCGGGGACAAGCAACAGTGGGAGAGCCCGGTCGGATCC[G>A]ACGCACCAGCATCGGCACAGTGGTGGGCACTTCACAGCTGCCGTGCAGGCCATGGACTGC-3'
Protein context (NP_001334650.1, residues 512-532): TSNSGRARSD[Pro522=]THQHRHSGGH

ClinVar aggregate classification (germline): Likely benign. Review status: criteria provided, single submitter (1 of 4 stars). 2 submissions from 2 submitters: Likely benign (1). 1 of the submissions does not count toward it. Last evaluated 2024-12-02.

Conditions:
DYRK1A-related disorder.
DYRK1A-related intellectual disability syndrome (MRD7). Also called: Intellectual developmental disorder, autosomal dominant 7; DYRK1A Syndrome. Identifiers: Orphanet 464306, MedGen C5568143, MONDO:0013578, OMIM 614104.

Allele frequency attached by ClinVar (database versions not stated): ExAC 0.00001; gnomAD exomes 0.00001; TOPMed 0.00001; gnomAD 0.00002 and 0.00003.
gnomAD v4.1: 23 of 1,614,040 alleles (0.0014%); highest among the groups gnomAD compares: African/African-American, 0.011%; no homozygotes.

Submissions (2):

Labcorp Genetics (formerly Invitae), Labcorp
Classification: Likely benign for DYRK1A-related intellectual disability syndrome. Last evaluated: 2024-12-02. Review status: criteria provided, single submitter. Criteria: Invitae Variant Classification Sherloc (09022015). Collection method: clinical testing. Allele origin: germline.

PreventionGenetics, part of Exact Sciences
Classification: Likely benign for DYRK1A-related condition. Last evaluated: 2024-09-10. Review status: no assertion criteria provided. Collection method: clinical testing. Allele origin: germline. Not counted in ClinVar's aggregate classification.
Comment: This variant is classified as likely benign based on ACMG/AMP sequence variant interpretation guidelines (Richards et al. 2015 PMID: 25741868, with internal and published modifications).